The following is an entry in ClinVar:

ClinVar aggregate classification (germline): Likely pathogenic. Review status: criteria provided, multiple submitters, no conflicts (2 of 4 stars). 4 submissions from 4 submitters: Likely pathogenic (4). Last evaluated 2026-08-21.

Conditions:
Neurodevelopmental disorder with cataracts, poor growth, and dysmorphic facies. Identifiers: MedGen C5231414, MONDO:0032817, OMIM 618571.
Neurodevelopmental delay. Identifiers: MedGen C4022738, HP:0012758.

Allele frequency attached by ClinVar (database versions not stated): gnomAD exomes below 0.00001; TOPMed 0.00001; ExAC 0.00001.
gnomAD v4.1: 2 of 1,607,404 alleles (0.00012%); highest among the groups gnomAD compares: Admixed American, 0.0033%; no homozygotes.

Submissions (4):

GeneDx
Classification: Likely pathogenic. Last evaluated: 2026-08-21. Review status: criteria provided, single submitter. Criteria: GeneDx Variant Classification Process June 2021. Collection method: clinical testing. Allele origin: germline.
Comment: Reported in the published literature; however, detailed clinical information was not provided (PMID: 37236975); Canonical splice site variant predicted to result in a null allele in a gene for which loss of function is a known mechanism of disease; Not observed at significant frequency in large population cohorts (gnomAD); This variant is associated with the following publications: (PMID: 37236975)

Daryl Scott Lab, Baylor College of Medicine
Classification: Likely pathogenic for Neurodevelopmental disorder with cataracts, poor growth, and dysmorphic facies. Last evaluated: 2024-04-01. Review status: criteria provided, single submitter. Criteria: ACMG Guidelines, 2015. Collection method: clinical testing. Allele origin: paternal. Observed: 1 heterozygote.
Comment: PVS1, PM2

Baylor Genetics
Classification: Likely pathogenic for Neurodevelopmental disorder with cataracts, poor growth, and dysmorphic facies. Last evaluated: 2021-04-28. Review status: criteria provided, single submitter. Criteria: ACMG Guidelines, 2015. Collection method: clinical testing. Allele origin: unknown.

Genomic Medicine Lab, University of California San Francisco
Classification: Likely pathogenic for Neurodevelopmental delay. Last evaluated: 2018-10-25. Review status: criteria provided, single submitter. Criteria: ACMG Guidelines, 2015. Collection method: clinical testing. Allele origin: unknown. Inheritance: Autosomal recessive inheritance. Affected: yes. Study: CSER.

NM_001080453.3(INTS1):c.3430-2A>C

Gene: INTS1 (integrator complex subunit 1; minus strand). Cytogenetic location: 7p22.3.
Variant type: single nucleotide variant.
Coding change: c.3430-2A>C on transcript NM_001080453.3 (MANE Select); the canonical splice acceptor site of the intron before coding-DNA position 3430, A replaced by C.
Molecular consequence: splice acceptor variant.
Genome position (GRCh38, 1-based): chr7:1,483,855, T>G on the plus strand (A>C on the coding strand, the complement: INTS1 is on the minus strand). VCF-style: chr7-1483855-T-G. GRCh37 (hg19) VCF-style: chr7-1523491-T-G.
Identifiers: ClinVar variation 816898 (VCV000816898.6), dbSNP rs770569947, ClinGen allele CA4119295.